The following is an entry in ClinVar:

NM_001267550.2(TTN):c.102711C>T (p.Cys34237=)

Genes: TTN (titin; minus strand), TTN-AS1 (TTN antisense RNA 1; plus strand). Cytogenetic location: 2q31.2.
Variant type: single nucleotide variant.
Coding change: c.102711C>T on transcript NM_001267550.2 (MANE Select); coding-DNA position 102711, C replaced by T.
Protein change: p.Cys34237=; no amino-acid change (cysteine 34237 retained).
Molecular consequence: synonymous variant.
Genome position (GRCh38, 1-based): chr2:178,533,904, G>A on the plus strand (C>T on the coding strand, the complement: TTN is on the minus strand). VCF-style: chr2-178533904-G-A. GRCh37 (hg19) VCF-style: chr2-179398631-G-A.
Other names: c.97788C>T, p.Cys32596= (NM_001256850.1); c.75516C>T, p.Cys25172= (NM_003319.4); c.75891C>T, p.Cys25297= (NM_133432.3); c.76092C>T, p.Cys25364= (NM_133437.4); c.95007C>T, p.Cys31669= (NM_133378.4).
Identifiers: ClinVar variation 179796 (VCV000179796.16), dbSNP rs568801205, ClinGen allele CA185152.

ClinVar aggregate classification (germline): Likely benign. Review status: criteria provided, multiple submitters, no conflicts (2 of 4 stars). 4 submissions from 4 submitters: Likely benign (3). 1 of the submissions does not count toward it. Last evaluated 2026-01-24.

Conditions:
TTN-related disorder. Also called: TTN-related disorders; TTN-related condition; TTN-related disease.
Cardiovascular phenotype. Identifiers: MedGen CN230736.
Dilated cardiomyopathy 1G (CMD1G). Identifiers: Orphanet 154, MedGen C1858763, MONDO:0011400, OMIM 604145.
Autosomal recessive limb-girdle muscular dystrophy type 2J (LGMDR10). Also called: Limb-girdle muscular dystrophy, type 2J; MUSCULAR DYSTROPHY, LIMB-GIRDLE, AUTOSOMAL RECESSIVE 10. Identifiers: Orphanet 140922, MedGen C1837342, MONDO:0012127, OMIM 608807.

Allele frequency attached by ClinVar (database versions not stated): gnomAD exomes below 0.00001 and 0.00001; ExAC 0.00001; TOPMed 0.00001; gnomAD 0.00002 and 0.00003.

Submissions (4):

Labcorp Genetics (formerly Invitae), Labcorp
Classification: Likely benign for Dilated cardiomyopathy 1G; Autosomal recessive limb-girdle muscular dystrophy type 2J. Last evaluated: 2026-01-24. Review status: criteria provided, single submitter. Criteria: Invitae Variant Classification Sherloc (09022015). Collection method: clinical testing. Allele origin: germline.

Ambry Genetics
Classification: Likely benign for Cardiovascular phenotype. Last evaluated: 2023-02-27. Review status: criteria provided, single submitter. Criteria: Ambry Variant Classification Scheme 2023. Collection method: clinical testing. Allele origin: germline.

Laboratory for Molecular Medicine, Mass General Brigham Personalized Medicine
Classification: Likely benign. Last evaluated: 2014-06-30. Review status: criteria provided, single submitter. Criteria: LMM Criteria. Collection method: clinical testing. Allele origin: germline. Observed: 1 variant allele.
Comment: Cys31669Cys in exon 307 of TTN: This variant is not expected to have clinical si gnificance because it does not alter an amino acid residue and is not located wi thin the splice consensus sequence.

PreventionGenetics, part of Exact Sciences
Classification: Likely benign for TTN-related condition. Last evaluated: 2023-12-11. Review status: no assertion criteria provided. Collection method: clinical testing. Allele origin: germline. Not counted in ClinVar's aggregate classification.
Comment: This variant is classified as likely benign based on ACMG/AMP sequence variant interpretation guidelines (Richards et al. 2015 PMID: 25741868, with internal and published modifications).